The following is an entry in ClinVar:

ClinVar aggregate classification (germline): Likely pathogenic (1 of 4 stars; one submission).

Conditions:
Glycogen storage disease type III (GSD3). Also called: FORBES DISEASE; Cori disease. Identifiers: Orphanet 366, MedGen C0017922, MONDO:0009291, OMIM 232400.

Allele frequency attached by ClinVar (database versions not stated): gnomAD exomes below 0.00001.
gnomAD v4.1: 2 of 1,613,222 alleles (0.00012%); highest among the groups gnomAD compares: South Asian, 0.0022%; no homozygotes.

Submission:

Labcorp Genetics (formerly Invitae), Labcorp
Classification: Likely pathogenic for Glycogen storage disease type III. Last evaluated: 2025-12-20. Review status: criteria provided, single submitter. Criteria: Invitae Variant Classification Sherloc (09022015). Collection method: clinical testing. Allele origin: germline.
Comment: This sequence change affects a donor splice site in intron 2 of the AGL gene. It is expected to disrupt RNA splicing. Variants that disrupt the donor or acceptor splice site typically lead to a loss of protein function (PMID: 16199547), and loss-of-function variants in AGL are known to be pathogenic (PMID: 19299494). This variant is not present in population databases (gnomAD no frequency). Disruption of this splice site has been observed in individual(s) with glycogen storage disease type III (PMID: 25388549). ClinVar contains an entry for this variant (Variation ID: 2112761). Algorithms developed to predict the effect of sequence changes on RNA splicing suggest that this variant may disrupt the consensus splice site. In summary, the currently available evidence indicates that the variant is pathogenic, but additional data are needed to prove that conclusively. Therefore, this variant has been classified as Likely Pathogenic.

Literature cited by the submitters: PubMed 16199547; PubMed 19299494; PubMed 25388549.

NM_000642.3(AGL):c.82+1G>T

Gene: AGL (amylo-alpha-1,6-glucosidase and 4-alpha-glucanotransferase; plus strand). Cytogenetic location: 1p21.2.
Variant type: single nucleotide variant.
Coding change: c.82+1G>T on transcript NM_000642.3 (MANE Select); the canonical splice donor site of the intron after coding-DNA position 82, G replaced by T.
Molecular consequence: splice donor variant.
Genome position (GRCh38, 1-based): chr1:99,851,125, G>T. VCF-style: chr1-99851125-G-T. GRCh37 (hg19) VCF-style: chr1-100316681-G-T.
Other names: c.82+1G>T (NM_000643.3, NM_000644.3, NM_001425326.1 and 6 more transcripts); c.-110+1G>T (NM_000646.3).
Identifiers: ClinVar variation 2112761 (VCV002112761.4), dbSNP rs1354714214, ClinGen allele CA341323912.